The following is an entry in ClinVar:

NC_000009.11:g.(?_6610182)_(6610366_?)del

Gene: GLDC (glycine decarboxylase; minus strand). Cytogenetic location: 9p24.1.
Variant type: Deletion.
Identifiers: ClinVar variation 1072389 (VCV001072389.11).

ClinVar aggregate classification (germline): Pathogenic (1 of 4 stars; one submission).

Conditions:
Glycine encephalopathy. Also called: Nonketotic hyperglycinemia; Non-ketotic hyperglycinemia. Identifiers: Orphanet 407, MedGen C0751748, MONDO:0011612, HP:0008288.

Submission:

Labcorp Genetics (formerly Invitae), Labcorp
Classification: Pathogenic for Glycine encephalopathy. Last evaluated: 2022-02-09. Review status: criteria provided, single submitter. Criteria: Invitae Variant Classification Sherloc (09022015). Collection method: clinical testing. Allele origin: germline.
Comment: This variant is a gross deletion of the genomic region encompassing exon(s) 4 of the GLDC gene. This variant would be expected to be in-frame, preserving the integrity of the reading frame. A similar copy number variant has been observed in individual(s) with nonketotic hyperglycinemia (PMID: 26179960). In at least one individual the data is consistent with being in trans (on the opposite chromosome) from a pathogenic variant. Experimental studies and prediction algorithms are not available or were not evaluated, and the functional significance of this variant is currently unknown. For these reasons, this variant has been classified as Pathogenic.

Literature cited by the submitters: PubMed 26179960.